The following is an entry in ClinVar:

NM_006922.4(SCN3A):c.1661C>T (p.Ser554Phe)

Gene: SCN3A (sodium voltage-gated channel alpha subunit 3; minus strand). Cytogenetic location: 2q24.3.
Variant type: single nucleotide variant.
Coding change: c.1661C>T on transcript NM_006922.4 (MANE Select); coding-DNA position 1661, C replaced by T.
Protein change: p.Ser554Phe; replaces serine 554 with phenylalanine.
Molecular consequence: missense variant.
Genome position (GRCh38, 1-based): chr2:165,146,749, G>A on the plus strand (C>T on the coding strand, the complement: SCN3A is on the minus strand). VCF-style: chr2-165146749-G-A. GRCh37 (hg19) VCF-style: chr2-166003259-G-A.
Other names: c.1661C>T, p.Ser554Phe (NM_001081676.2, NM_001081677.2); short protein forms S554F.
Identifiers: ClinVar variation 2576714 (VCV002576714.2), dbSNP rs1410322369, ClinGen allele CA349236250.

ClinVar aggregate classification (germline): Uncertain significance (1 of 4 stars; one submission).

Allele frequency attached by ClinVar (database versions not stated): gnomAD exomes below 0.00001.
gnomAD v4.1: 2 of 1,613,940 alleles (0.00012%); highest among the groups gnomAD compares: East Asian, 0.0045%; no homozygotes.

Submission:

GeneDx
Classification: Uncertain significance. Last evaluated: 2025-09-23. Review status: criteria provided, single submitter. Criteria: GeneDx Variant Classification Process June 2021. Collection method: clinical testing. Allele origin: germline.
Comment: Not observed at significant frequency in large population cohorts (gnomAD); In silico analysis supports that this missense variant has a deleterious effect on protein structure/function; Has not been previously published as pathogenic or benign to our knowledge